The following is an entry in ClinVar:

ClinVar aggregate classification (germline): Likely pathogenic (1 of 4 stars; one submission).

Conditions:
Hermansky-Pudlak syndrome 6 (HPS6). Identifiers: Orphanet 231512, Orphanet 79430, MedGen C3888007, MONDO:0013558, OMIM 614075.

Submission:

Pele Pequeno Principe Research Institute, Faculdades Pequeno Principe
Classification: Likely pathogenic for Hermansky-Pudlak syndrome 6. Last evaluated: 2025-12-01. Review status: criteria provided, single submitter. Criteria: ACMG Guidelines, 2015. Collection method: research. Allele origin: germline. Inheritance: Autosomal recessive inheritance. Affected: yes. Observed: 1 compound heterozygote.
Comment: The HPS6:c.224_227dup variant results in the duplication of four nucleotides in the HPS6 gene, causing a frameshift and introducing a premature stop codon p.(Ser77Alafs*100). This alteration is predicted to result in a truncated protein or degradation of the transcript via nonsense-mediated decay (NMD). According to the Genome Aggregation Database (gnomAD), this variant is absent from population datasets. Loss-of-function variants in HPS6 are a well-established mechanism of disease, causing Hermansky–Pudlak syndrome type 6, an autosomal recessive disorder characterized by oculocutaneous albinism, bleeding diathesis, and platelet storage pool deficiency. (PMIDs: 12908754; 15146457; 20301609)

Literature cited by the submitters: PubMed 12908754; PubMed 15146457; PubMed 20301609.

NM_024747.6(HPS6):c.224_227dup (p.Ser77fs)

Genes: HPS6 (HPS6 biogenesis of lysosomal organelles complex 2 subunit 3; plus strand), LOC130004578 (ATAC-STARR-seq lymphoblastoid silent region 2738; plus strand). Cytogenetic location: 10q24.32.
Variant type: Duplication.
Coding change: c.224_227dup on transcript NM_024747.6 (MANE Select); coding-DNA positions 224 to 227, 4 bases duplicated (AGCC; older notation c.224_227dupAGCC).
Protein change: p.Ser77fs; shifts the reading frame from serine 77.
Molecular consequence: frameshift variant.
Genome position (GRCh38, 1-based): chr10:102,065,698-102,065,701, AGCC duplicated; duplicating any 4 consecutive bases within chr10:102,065,695-102,065,701 gives the same sequence; the c. name uses the placement nearest the transcript's 3' end. VCF-style (leftmost placement, unchanged base first): chr10-102065694-G-GGCCA. GRCh37 (hg19) VCF-style: chr10-103825451-G-GGCCA.
Other names: short protein forms S77fs.
Identifiers: ClinVar variation 4537487 (VCV004537487.1).
Genomic context (GRCh38, chr10:102,065,694, plus strand): 5'-CCACAGCTGCTAGTCGCGTCGCGAGGGCCCGGCGCGGAGCTAGAGCGGGCCTGGCCGGCC[G>GGCCA]GCCAGCCCTCCCCGCTGGACGCCTTCTTCCTGCCGTGGCCAGCGCGGCCGGCGCTGGTGC-3'